The following is an entry in ClinVar:

ClinVar aggregate classification (germline): Benign. Review status: criteria provided, multiple submitters, no conflicts (2 of 4 stars). 3 submissions from 3 submitters: Benign (3). Last evaluated 2024-07-15.

Allele frequency attached by ClinVar (database versions not stated): gnomAD exomes 0.70302 and 0.72749; ESP Exome Variant Server 0.72717; ExAC 0.72851; gnomAD 0.73880 and 0.73891; TOPMed 0.74052; 1000 Genomes Project 30x 0.78795; 1000 Genomes Project 0.78934.
gnomAD v4.1: 1,130,399 of 1,601,034 alleles (71%); highest among the groups gnomAD compares: East Asian, 89%; 401,753 homozygotes.

Submissions (3):

Unidad de Genómica Garrahan, Hospital de Pediatría Garrahan
Classification: Benign. Last evaluated: 2024-07-15. Review status: criteria provided, single submitter. Criteria: ACMG Guidelines, 2015. Collection method: clinical testing. Allele origin: germline. Affected: no. Observed: 83 variant alleles.
Comment: This variant is classified as Benign based on local population frequency. This variant was detected in 89% of patients studied in a panel designed for Epileptic and Developmental Encephalopathy and Progressive Myoclonus Epilepsy. Number of patients: 83. Only high quality variants are reported.

GeneDx
Classification: Benign. Last evaluated: 2018-06-14. Review status: criteria provided, single submitter. Criteria: GeneDx Variant Classification (06012015). Collection method: clinical testing. Allele origin: germline. Affected: yes.
Comment: This variant is considered likely benign or benign based on one or more of the following criteria: it is a conservative change, it occurs at a poorly conserved position in the protein, it is predicted to be benign by multiple in silico algorithms, and/or has population frequency not consistent with disease.

Breakthrough Genomics
Classification: Benign. Review status: criteria provided, single submitter. Criteria: ACMG Guidelines, 2015. Collection method: not provided. Allele origin: germline. Inheritance: Autosomal dominant inheritance. Affected: yes.

NM_001165963.4(SCN1A):c.1663-47T>G

Gene: SCN1A (sodium voltage-gated channel alpha subunit 1; minus strand). Cytogenetic location: 2q24.3.
Variant type: single nucleotide variant.
Coding change: c.1663-47T>G on transcript NM_001165963.4 (MANE Select); 47 bases into the intron before coding-DNA position 1663, T replaced by G.
Molecular consequence: intron variant.
Genome position (GRCh38, 1-based): chr2:166,044,096, A>C on the plus strand (T>G on the coding strand, the complement: SCN1A is on the minus strand). VCF-style: chr2-166044096-A-C. GRCh37 (hg19) VCF-style: chr2-166900606-A-C.
Other names: c.1663-47T>G (NM_001353949.2, NM_001353958.2, NM_001353950.2 and 7 more transcripts); c.1660-47T>G (NM_001353955.2, NM_001353960.2, NM_001353954.2); c.-763-47T>G (NM_001353961.2).
Identifiers: ClinVar variation 670599 (VCV000670599.4), dbSNP rs6753355, ClinGen allele CA1943274.
Genomic context (GRCh38, chr2:166,044,096, plus strand): 5'-ATGCTCAACAAAGACTAGAAGTTTGAAAGAGCAAACAAATAAAGTCATATTAATATGGAC[A>C]TTTGAATGTGATTTCATTTTGCAAGATTATGTAGAAGGAGATTTCAGCATTCATAACAGA-3'